The following is an entry in ClinVar:

NM_015404.4(WHRN):c.2137G>C (p.Asp713His)

Gene: WHRN (whirlin; minus strand). Cytogenetic location: 9q32.
Variant type: single nucleotide variant.
Coding change: c.2137G>C on transcript NM_015404.4 (MANE Select); coding-DNA position 2137, G replaced by C.
Protein change: p.Asp713His; replaces aspartic acid 713 with histidine.
Molecular consequence: missense variant.
Genome position (GRCh38, 1-based): chr9:114,406,454, C>G on the plus strand (G>C on the coding strand, the complement: WHRN is on the minus strand). VCF-style: chr9-114406454-C-G. GRCh37 (hg19) VCF-style: chr9-117168734-C-G.
Other names: c.988G>C, p.Asp330His (NM_001083885.3); c.2137G>C, p.Asp713His (NM_001173425.2); c.1084G>C, p.Asp362His (NM_001346890.1); short protein forms D362H, D713H, D330H.
Identifiers: ClinVar variation 2096877 (VCV002096877.4), dbSNP rs1835033682, ClinGen allele CA374620227.

ClinVar aggregate classification (germline): Uncertain significance (1 of 4 stars; one submission).

Allele frequency attached by ClinVar (database versions not stated): TOPMed below 0.00001; gnomAD 0.00001.
gnomAD v4.1: 1 of 1,614,054 alleles (0.000062%); highest among the groups gnomAD compares: African/African-American, 0.0013%; no homozygotes.

Submission:

Labcorp Genetics (formerly Invitae), Labcorp
Classification: Uncertain significance. Last evaluated: 2022-02-11. Review status: criteria provided, single submitter. Criteria: Invitae Variant Classification Sherloc (09022015). Collection method: clinical testing. Allele origin: germline.
Comment: In summary, the available evidence is currently insufficient to determine the role of this variant in disease. Therefore, it has been classified as a Variant of Uncertain Significance. This sequence change replaces aspartic acid, which is acidic and polar, with histidine, which is basic and polar, at codon 713 of the WHRN protein (p.Asp713His). This variant is not present in population databases (gnomAD no frequency). This variant has not been reported in the literature in individuals affected with WHRN-related conditions. Algorithms developed to predict the effect of missense changes on protein structure and function (SIFT, PolyPhen-2, Align-GVGD) all suggest that this variant is likely to be tolerated.